The following is an entry in ClinVar:

ClinVar aggregate classification (germline): Uncertain significance (1 of 4 stars; one submission).

Allele frequency attached by ClinVar (database versions not stated): gnomAD 0.00004 and 0.00005; gnomAD exomes 0.00004 and 0.00008; TOPMed 0.00005; ExAC 0.00010; 1000 Genomes Project 30x 0.00016.
gnomAD v4.1: 68 of 1,613,702 alleles (0.0042%); highest among the groups gnomAD compares: Admixed American, 0.012%; no homozygotes.

Submission:

Labcorp Genetics (formerly Invitae), Labcorp
Classification: Uncertain significance. Last evaluated: 2025-10-21. Review status: criteria provided, single submitter. Criteria: Invitae Variant Classification Sherloc (09022015). Collection method: clinical testing. Allele origin: germline.
Comment: This sequence change replaces proline, which is neutral and non-polar, with leucine, which is neutral and non-polar, at codon 568 of the ZCCHC8 protein (p.Pro568Leu). This variant is present in population databases (rs763856281, gnomAD 0.01%). This variant has not been reported in the literature in individuals affected with ZCCHC8-related conditions. ClinVar contains an entry for this variant (Variation ID: 1355471). Invitae Evidence Modeling of protein sequence and biophysical properties (such as structural, functional, and spatial information, amino acid conservation, physicochemical variation, residue mobility, and thermodynamic stability) indicates that this missense variant is not expected to disrupt ZCCHC8 protein function with a negative predictive value of 80%. In summary, the available evidence is currently insufficient to determine the role of this variant in disease. Therefore, it has been classified as a Variant of Uncertain Significance.

NM_017612.5(ZCCHC8):c.1703C>T (p.Pro568Leu)

Gene: ZCCHC8 (zinc finger CCHC-type containing 8; minus strand). Cytogenetic location: 12q24.31.
Variant type: single nucleotide variant.
Coding change: c.1703C>T on transcript NM_017612.5 (MANE Select); coding-DNA position 1703, C replaced by T.
Protein change: p.Pro568Leu; replaces proline 568 with leucine.
Molecular consequence: missense variant.
Genome position (GRCh38, 1-based): chr12:122,473,918, G>A on the plus strand (C>T on the coding strand, the complement: ZCCHC8 is on the minus strand). VCF-style: chr12-122473918-G-A. GRCh37 (hg19) VCF-style: chr12-122958465-G-A.
Other names: c.1472C>T, p.Pro491Leu (NM_001350935.2); c.1406C>T, p.Pro469Leu (NM_001350936.2); c.989C>T, p.Pro330Leu (NM_001350937.2, NM_001350938.2); short protein forms P469L, P491L, P330L, P568L.
Identifiers: ClinVar variation 1355471 (VCV001355471.8), dbSNP rs763856281, ClinGen allele CA6846105.